The following is an entry in ClinVar:

NM_176824.3(BBS7):c.1978T>C (p.Tyr660His)

Gene: BBS7 (Bardet-Biedl syndrome 7; minus strand). Cytogenetic location: 4q27.
Variant type: single nucleotide variant.
Coding change: c.1978T>C on transcript NM_176824.3 (MANE Select); coding-DNA position 1978, T replaced by C.
Protein change: p.Tyr660His; replaces tyrosine 660 with histidine.
Molecular consequence: missense variant.
Genome position (GRCh38, 1-based): chr4:121,828,182, A>G on the plus strand (T>C on the coding strand, the complement: BBS7 is on the minus strand). VCF-style: chr4-121828182-A-G. GRCh37 (hg19) VCF-style: chr4-122749337-A-G.
Other names: c.1978T>C, p.Tyr660His (NM_018190.4); short protein forms Y660H.
Identifiers: ClinVar variation 2092676 (VCV002092676.4), dbSNP rs765240912, ClinGen allele CA358054276.
Genomic context (GRCh38, chr4:121,828,182, plus strand): 5'-GGTATTCTAGAATGGTCCACTAACCATAGAGTCTTTCAAGATGTGCAGGTTGCTTTTTGT[A>G]TTCTTCCTGTAGGTGATCTGCCTCTTCTAGAATACAGTGATATTCTGGTATCAGAAAGTT-3'
Protein context (NP_789794.1, residues 650-670): LEEADHLQEE[Tyr660His]KKQPAHLERL

ClinVar aggregate classification (germline): Uncertain significance (1 of 4 stars; one submission).

Conditions:
Bardet-Biedl syndrome (BBS). Identifiers: Orphanet 110, MedGen C0752166, MONDO:0015229.

gnomAD v4.1: 2 of 1,613,866 alleles (0.00012%); highest among the groups gnomAD compares: East Asian, 0.0022%; no homozygotes.

Submission:

Labcorp Genetics (formerly Invitae), Labcorp
Classification: Uncertain significance for Bardet-Biedl syndrome. Last evaluated: 2022-02-04. Review status: criteria provided, single submitter. Criteria: Invitae Variant Classification Sherloc (09022015). Collection method: clinical testing. Allele origin: germline.
Comment: This sequence change replaces tyrosine, which is neutral and polar, with histidine, which is basic and polar, at codon 660 of the BBS7 protein (p.Tyr660His). In summary, the available evidence is currently insufficient to determine the role of this variant in disease. Therefore, it has been classified as a Variant of Uncertain Significance. Algorithms developed to predict the effect of missense changes on protein structure and function (SIFT, PolyPhen-2, Align-GVGD) all suggest that this variant is likely to be tolerated. This variant has not been reported in the literature in individuals affected with BBS7-related conditions. This variant is present in population databases (no rsID available, gnomAD 0.003%).